The following is an entry in ClinVar:

ClinVar aggregate classification (germline): Pathogenic (1 of 4 stars; one submission).

Conditions:
Autosomal recessive limb-girdle muscular dystrophy. Identifiers: Orphanet 102015, MedGen C2931907, MONDO:0015152.

Submission:

Myriad Genetics, Inc.
Classification: Pathogenic for Autosomal recessive limb-girdle muscular dystrophy. Last evaluated: 2026-04-10. Review status: criteria provided, single submitter. Criteria: Myriad Autosomal Dominant, Autosomal Recessive and X-Linked Classification Criteria (2023). Collection method: clinical testing. Allele origin: unknown.
Comment: NM_003494.3(DYSF):c.1356dupT(P453Sfs*21) is a frameshift variant classified as pathogenic in the context of dysferlinopathy. P453Sfs*21 has not been observed in cases with relevant disease. Relevant functional assessments of this variant are not available in the literature. P453Sfs*21 has not been observed in referenced population frequency databases. In summary, NM_003494.3(DYSF):c.1356dupT(P453Sfs*21) is a frameshift variant in a gene where loss of function is a known mechanism of disease and is predicted to disrupt protein function. Please note: this variant was assessed in the context of healthy population screening.

NM_001130987.2(DYSF):c.1452dup (p.Pro485fs)

Gene: DYSF (dysferlin; plus strand). Cytogenetic location: 2p13.2.
Variant type: Duplication.
Coding change: c.1452dup on transcript NM_001130987.2 (MANE Select); coding-DNA position 1452, one base duplicated (T; older notation c.1452dupT).
Protein change: p.Pro485fs; shifts the reading frame from proline 485.
Molecular consequence: frameshift variant.
Genome position (GRCh38, 1-based): chr2:71,535,270, T duplicated; the last of 3 consecutive T bases (chr2:71,535,268-71,535,270); duplicating any one gives the same sequence. VCF-style (leftmost placement, unchanged base first): chr2-71535267-G-GT. GRCh37 (hg19) VCF-style: chr2-71762397-G-GT.
Other names: c.1359dup, p.Pro454fs (NM_001130455.2, NM_001130983.2, NM_001130984.2 and 1 more transcripts); c.1356dup, p.Pro453fs (NM_001130976.2, NM_001130977.2, NM_001130978.2 and 1 more transcripts); c.1449dup, p.Pro484fs (NM_001130979.2, NM_001130980.2, NM_001130981.2); c.1452dup, p.Pro485fs (NM_001130982.2, NM_001130985.2); short protein forms P484fs, P485fs, P453fs, P454fs.
Identifiers: ClinVar variation 5004594 (VCV005004594.1).